The following is an entry in ClinVar:

ClinVar aggregate classification (germline): Benign/Likely benign. Review status: criteria provided, multiple submitters, no conflicts (2 of 4 stars). 12 submissions from 12 submitters: Benign (2); Likely benign (10). Last evaluated 2026-04-07.

Conditions:
ATM-related disorder. Also called: ATM-related disorders; ATM-related condition.
Familial colorectal cancer type X. Identifiers: Orphanet 440437, MedGen C3896578, MONDO:0018604.
Hereditary cancer-predisposing syndrome. Also called: Neoplastic Syndromes, Hereditary; Tumor predisposition; Hereditary Cancer Syndrome; Hereditary neoplastic syndrome. Identifiers: Orphanet 140162, MedGen C0027672, MeSH D009386, MONDO:0015356.
Familial cancer of breast. Also called: hereditary breast carcinoma; BREAST CANCER, FAMILIAL; Hereditary breast cancer. Identifiers: Orphanet 227535, MedGen C0346153, MONDO:0016419, OMIM 114480. Disease mechanism: loss of function.
Ataxia-telangiectasia syndrome (AT). Also called: Cerebello-oculocutaneous telangiectasia; Immunodeficiency with ataxia telangiectasia; ATAXIA-TELANGIECTASIA, COMPLEMENTATION GROUP A; ATAXIA-TELANGIECTASIA, FRESNO VARIANT; Ataxia-telangiectasia; Ataxia-telangiectasia, complementation group E. Identifiers: Orphanet 100, MedGen C0004135, MONDO:0008840, OMIM 208900.

Allele frequency attached by ClinVar (database versions not stated): TOPMed below 0.00001; ExAC 0.00001; gnomAD exomes 0.00001.
gnomAD v4.1: 18 of 1,612,692 alleles (0.0011%); highest among the groups gnomAD compares: Non-Finnish European, 0.0012%; no homozygotes.

Submissions (12):

PreventionGenetics, part of Exact Sciences
Classification: Likely benign for ATM-related condition. Last evaluated: 2026-04-07. Review status: criteria provided, single submitter. Criteria: ACMG Guidelines, 2015. Collection method: clinical testing. Allele origin: germline.
Comment: This variant is classified as likely benign based on ACMG/AMP sequence variant interpretation guidelines (Richards et al. 2015 PMID: 25741868, with internal and published modifications).

Labcorp Genetics (formerly Invitae), Labcorp
Classification: Likely benign for Ataxia-telangiectasia syndrome. Last evaluated: 2025-12-10. Review status: criteria provided, single submitter. Criteria: Invitae Variant Classification Sherloc (09022015). Collection method: clinical testing. Allele origin: germline.

Women's Health and Genetics/Laboratory Corporation of America, LabCorp
Classification: Likely benign. Last evaluated: 2025-11-02. Review status: criteria provided, single submitter. Criteria: LabCorp Variant Classification Summary - May 2015. Collection method: clinical testing. Allele origin: germline.

Center for Genomic Medicine, Rigshospitalet, Copenhagen University Hospital
Classification: Likely benign. Last evaluated: 2025-03-04. Review status: criteria provided, single submitter. Criteria: ACMG Guidelines, 2015. Collection method: clinical testing. Allele origin: germline.

Institute for Biomarker Research, Medical Diagnostic Laboratories, L.L.C.
Classification: Likely benign for Hereditary cancer-predisposing syndrome. Last evaluated: 2024-11-29. Review status: criteria provided, single submitter. Criteria: ACMG Guidelines, 2015. Collection method: clinical testing. Allele origin: germline.
Comment: The synonymous variant NM_000051.4(ATM):c.4179C>A (p.Ile1393=) has been reported to ClinVar as Benign/Likely benign with a status of (2 stars) criteria provided, multiple submitters, no conflicts (Variation ID 230328 as of 2024-11-07). The p.Ile1393= variant is observed in 1/113,580 (0.0009%) alleles from individuals of gnomAD Non Finnish European background in gnomAD. The p.Ile1393= variant is not predicted to disrupt an existing splice site. For these reasons, this variant has been classified as Likely Benign.

Myriad Genetics, Inc.
Classification: Benign for Familial cancer of breast. Last evaluated: 2024-05-16. Review status: criteria provided, single submitter. Criteria: Myriad Autosomal Dominant, Autosomal Recessive and X-Linked Classification Criteria (2023). Collection method: clinical testing. Allele origin: unknown.
Comment: This variant is considered benign. This variant is a silent/synonymous amino acid change and it is not expected to impact splicing.

Department of Pathology and Laboratory Medicine, Sinai Health System
Classification: Likely benign for Familial colorectal cancer type X. Last evaluated: 2023-12-28. Review status: criteria provided, single submitter. Criteria: ACMG Guidelines, 2015. Collection method: clinical testing. Allele origin: germline. Affected: yes.

Sema4
Classification: Likely benign for Hereditary cancer-predisposing syndrome. Last evaluated: 2021-07-30. Review status: criteria provided, single submitter. Criteria: Sema4 Curation Guidelines. Collection method: curation. Allele origin: germline.

Genetic Services Laboratory, University of Chicago
Classification: Likely benign. Last evaluated: 2017-08-29. Review status: criteria provided, single submitter. Criteria: ACMG Guidelines, 2015. Collection method: clinical testing. Allele origin: germline. Affected: no.

Color Diagnostics, LLC DBA Color Health
Classification: Likely benign for Hereditary cancer-predisposing syndrome. Last evaluated: 2016-06-13. Review status: criteria provided, single submitter. Criteria: ACMG Guidelines, 2015. Collection method: clinical testing. Allele origin: germline.

GeneDx
Classification: Benign. Last evaluated: 2015-05-18. Review status: criteria provided, single submitter. Criteria: GeneDx Variant Classification Process June 2021. Collection method: clinical testing. Allele origin: germline. Affected: yes.

Ambry Genetics
Classification: Likely benign for Hereditary cancer-predisposing syndrome. Last evaluated: 2015-02-09. Review status: criteria provided, single submitter. Criteria: Ambry Variant Classification Scheme 2023. Collection method: clinical testing. Allele origin: germline.

NM_000051.4(ATM):c.4179C>A (p.Ile1393=)

Gene: ATM (ATM serine/threonine kinase; plus strand). Cytogenetic location: 11q22.3.
Variant type: single nucleotide variant.
Coding change: c.4179C>A on transcript NM_000051.4 (MANE Select); coding-DNA position 4179, C replaced by A.
Protein change: p.Ile1393=; no amino-acid change (isoleucine 1393 retained).
Molecular consequence: synonymous variant.
Genome position (GRCh38, 1-based): chr11:108,289,046, C>A. VCF-style: chr11-108289046-C-A. GRCh37 (hg19) VCF-style: chr11-108159773-C-A.
Other names: c.4179C>A, p.Ile1393= (NM_001351834.2).
Identifiers: ClinVar variation 230328 (VCV000230328.30), dbSNP rs775688446, ClinGen allele CA6265413.
Genomic context (GRCh38, chr11:108,289,046, plus strand): 5'-TCCTGCTCCTAATCCACCTCATTTTCCATCGCATGTGATTAAAGCAACATTTGCCTATAT[C>A]AGCAATTGTCATAAAACCAAGTTAAAAAGCATTTTAGAAATTCTTTCCAAAAGCCCTGTA-3'
Protein context (NP_000042.3, residues 1383-1403): SHVIKATFAY[Ile1393=]SNCHKTKLKS